The following is an entry in ClinVar:

ClinVar aggregate classification (germline): Uncertain significance (1 of 4 stars; one submission).

Submission:

Ambry Genetics
Classification: Uncertain significance. Last evaluated: 2023-02-15. Review status: criteria provided, single submitter. Criteria: Ambry Variant Classification Scheme 2023. Collection method: clinical testing. Allele origin: germline.
Comment: The p.S1789T variant (also known as c.5366G>C), located in coding exon 16 of the POLQ gene, results from a G to C substitution at nucleotide position 5366. The serine at codon 1789 is replaced by threonine, an amino acid with similar properties. This amino acid position is conserved. In addition, this alteration is predicted to be tolerated by in silico analysis. Since supporting evidence is limited at this time, the clinical significance of this alteration remains unclear.

NM_199420.4(POLQ):c.5366G>C (p.Ser1789Thr)

Gene: POLQ (DNA polymerase theta; minus strand). Cytogenetic location: 3q13.33.
Variant type: single nucleotide variant.
Coding change: c.5366G>C on transcript NM_199420.4 (MANE Select); coding-DNA position 5366, G replaced by C.
Protein change: p.Ser1789Thr; replaces serine 1789 with threonine.
Molecular consequence: missense variant.
Genome position (GRCh38, 1-based): chr3:121,487,565, C>G on the plus strand (G>C on the coding strand, the complement: POLQ is on the minus strand). VCF-style: chr3-121487565-C-G. GRCh37 (hg19) VCF-style: chr3-121206412-C-G.
Other names: short protein forms S1789T.
Identifiers: ClinVar variation 2449011 (VCV002449011.2), dbSNP rs2108797301, ClinGen allele CA354090399.